The following is an entry in ClinVar:

NM_001943.5(DSG2):c.572C>G (p.Thr191Ser)

Gene: DSG2 (desmoglein 2; plus strand). Cytogenetic location: 18q12.1.
Variant type: single nucleotide variant.
Coding change: c.572C>G on transcript NM_001943.5 (MANE Select); coding-DNA position 572, C replaced by G.
Protein change: p.Thr191Ser; replaces threonine 191 with serine.
Molecular consequence: missense variant.
Genome position (GRCh38, 1-based): chr18:31,522,131, C>G. VCF-style: chr18-31522131-C-G. GRCh37 (hg19) VCF-style: chr18-29102094-C-G.
Other names: c.572C>G (LRG_397t1); short protein forms T191S.
Identifiers: ClinVar variation 466347 (VCV000466347.1), dbSNP rs1555671315, ClinGen allele CA402133490.
Genomic context (GRCh38, chr18:31,522,131, plus strand): 5'-TTCTAATGCCAGATACTCTTGTGATGAAAATCAATGCAACAGATGCAGATGAGCCCAATA[C>G]CCTGAATTCGAAAATTTCCTATAGAATCGTATCTCTGGAGCCTGCTTATCCTCCAGTGTT-3'
Protein context (NP_001934.2, residues 181-201): INATDADEPN[Thr191Ser]LNSKISYRIV

ClinVar aggregate classification (germline): Uncertain significance (1 of 4 stars; one submission).

Conditions:
Arrhythmogenic right ventricular dysplasia 10. Also called: Arrhythmogenic Right Ventricular Dysplasia/Cardiomyopathy10; ARRHYTHMOGENIC RIGHT VENTRICULAR DYSPLASIA, FAMILIAL, 10; Arrhythmogenic right ventricular dysplasia/cardiomyopathy, type 10. Identifiers: MedGen C1857777, MONDO:0012434, OMIM 610193.

Submission:

Labcorp Genetics (formerly Invitae), Labcorp
Classification: Uncertain significance for Arrhythmogenic right ventricular dysplasia 10. Last evaluated: 2017-06-13. Review status: criteria provided, single submitter. Criteria: Invitae Variant Classification Sherloc (09022015). Collection method: clinical testing. Allele origin: germline.
Comment: This sequence change replaces threonine with serine at codon 191 of the DSG2 protein (p.Thr191Ser). The threonine residue is highly conserved and there is a small physicochemical difference between threonine and serine. This variant is not present in population databases (ExAC no frequency). This variant has not been reported in the literature in individuals with a DSG2-related disease. Algorithms developed to predict the effect of missense changes on protein structure and function output the following: SIFT: "Tolerated"; PolyPhen-2: "Benign"; Align-GVGD: "Class C0". The serine amino acid residue is found in multiple mammalian species, suggesting that this missense change does not adversely affect protein function. These predictions have not been confirmed by published functional studies and their clinical significance is uncertain. In summary, this variant has uncertain impact on DSG2 function. The available evidence is currently insufficient to determine its role in disease. Therefore, it has been classified as a Variant of Uncertain Significance.